The following is an entry in ClinVar:

NM_015346.4(ZFYVE26):c.1129del (p.Cys377fs)

Gene: ZFYVE26 (zinc finger FYVE-type containing 26; minus strand). Cytogenetic location: 14q24.1.
Variant type: Deletion.
Coding change: c.1129del on transcript NM_015346.4 (MANE Select); coding-DNA position 1129, one base deleted (T; older notation c.1129delT).
Protein change: p.Cys377fs; shifts the reading frame from cysteine 377.
Molecular consequence: frameshift variant.
Genome position (GRCh38, 1-based): chr14:67,805,507, A deleted on the plus strand (T on the coding strand, the reverse complement: ZFYVE26 is on the minus strand). VCF-style (leftmost placement, unchanged base first): chr14-67805506-CA-C. GRCh37 (hg19) VCF-style: chr14-68272223-CA-C.
Other names: short protein forms C377fs.
Identifiers: ClinVar variation 989172 (VCV000989172.4), dbSNP rs2140250002, ClinGen allele CA2499222713.
Genomic context (GRCh38, chr14:67,805,506, plus strand): 5'-AGAGTTACCTGGGTCCTGTGCAGGGTCTGGAGCAGCCTCTTGGCTGACTCTAGGCTCTGG[CA>C]GTGTGTCCAGCCCAGGAGTACAAGCAGGCAACTGAGGGGCCTGAATTCTCTATCAAGTAG-3'

ClinVar aggregate classification (germline): Conflicting classifications of pathogenicity. Review status: criteria provided, conflicting classifications (1 of 4 stars). 2 submissions from 2 submitters: Pathogenic (1); Uncertain significance (1). Last evaluated 2024-03-11.

Conditions:
Spastic paraplegia. Identifiers: MedGen C0037772, HP:0001258.

Submissions (2):

Labcorp Genetics (formerly Invitae), Labcorp
Classification: Pathogenic for Spastic paraplegia. Last evaluated: 2024-03-11. Review status: criteria provided, single submitter. Criteria: Invitae Variant Classification Sherloc (09022015). Collection method: clinical testing. Allele origin: germline.
Comment: This sequence change creates a premature translational stop signal (p.Cys377Alafs*4) in the ZFYVE26 gene. It is expected to result in an absent or disrupted protein product. Loss-of-function variants in ZFYVE26 are known to be pathogenic (PMID: 18394578, 19805727). This variant is not present in population databases (gnomAD no frequency). This variant has not been reported in the literature in individuals affected with ZFYVE26-related conditions. ClinVar contains an entry for this variant (Variation ID: 989172). For these reasons, this variant has been classified as Pathogenic.

Paris Brain Institute, Inserm - ICM
Classification: Uncertain significance for Spastic paraplegia. Review status: criteria provided, single submitter. Criteria: ACMG Guidelines, 2015. Collection method: clinical testing. Allele origin: unknown. Affected: yes. Observed: 1 variant allele.

Literature cited by the submitters: PubMed 18394578 (cited by Labcorp Genetics (formerly Invitae), Labcorp); PubMed 19805727 (cited by Labcorp Genetics (formerly Invitae), Labcorp).